The following is an entry in ClinVar:

NM_017436.7(A4GALT):c.892G>T (p.Asp298Tyr)

Gene: A4GALT (alpha 1,4-galactosyltransferase (P1PK blood group); minus strand). Cytogenetic location: 22q13.2.
Variant type: single nucleotide variant.
Coding change: c.892G>T on transcript NM_017436.7 (MANE Select); coding-DNA position 892, G replaced by T.
Protein change: p.Asp298Tyr; replaces aspartic acid 298 with tyrosine.
Molecular consequence: missense variant.
Genome position (GRCh38, 1-based): chr22:42,693,060, C>A on the plus strand (G>T on the coding strand, the complement: A4GALT is on the minus strand). VCF-style: chr22-42693060-C-A. GRCh37 (hg19) VCF-style: chr22-43089066-C-A.
Other names: c.892G>T, p.Asp298Tyr (NM_001318038.3); short protein forms D298Y.
Identifiers: ClinVar variation 1049089 (VCV001049089.4), dbSNP rs200414851, ClinGen allele CA10270192.
Genomic context (GRCh38, chr22:42,693,060, plus strand): 5'-TCCACACGTGGACAGCATAGGTGGCACTGAGCAGCCGCGGCAGCTCCTCGGGGTTGATGT[C>A]CTCAAAGTACTTCTTCCAGTCCTGCCAGGGGATGGGGTAGAAGGCCTCAGGGGGCAGGGT-3'
Protein context (NP_059132.1, residues 288-308): PWQDWKKYFE[Asp298Tyr]INPEELPRLL

ClinVar aggregate classification (germline): Likely benign. Review status: criteria provided, single submitter (1 of 4 stars). 2 submissions from 2 submitters: Likely benign (1). 1 of the submissions does not count toward it. Last evaluated 2024-02-23.

Allele frequency attached by ClinVar (database versions not stated): gnomAD exomes 0.00007 and 0.00031; TOPMed 0.00008; ExAC 0.00029; 1000 Genomes Project 0.00140; 1000 Genomes Project 30x 0.00141.
gnomAD v4.1: 137 of 1,612,682 alleles (0.0085%); highest among the groups gnomAD compares: East Asian, 0.21%; 1 homozygote.

Submissions (2):

Labcorp Genetics (formerly Invitae), Labcorp
Classification: Likely benign. Last evaluated: 2024-02-23. Review status: criteria provided, single submitter. Criteria: Invitae Variant Classification Sherloc (09022015). Collection method: clinical testing. Allele origin: germline.

Department of Pathology and Laboratory Medicine, Sinai Health System
Classification: Uncertain significance. Review status: no assertion criteria provided. Collection method: clinical testing. Allele origin: unknown. Affected: yes. Study: The Canadian Open Genetics Repository (COGR). Not counted in ClinVar's aggregate classification.
Comment: The A4GALT p.Asp298Tyr variant was not identified in the literature nor was it identified in ClinVar, Cosmic, or LOVD 3.0. The variant was identified in dbSNP (ID: rs200414851) and in control databases in 84 of 281214 chromosomes (1 homozygous) at a frequency of 0.000299 (Genome Aggregation Database Feb 27, 2017). The variant was observed in the following populations: East Asian in 77 of 19930 chromosomes (freq: 0.003864) and South Asian in 7 of 30586 chromosomes (freq: 0.000229), but not in the African, Latino, Ashkenazi Jewish, European (Finnish), European (non-Finnish), and Other populations. The variant occurs outside of the splicing consensus sequence and in silico or computational prediction software programs (SpliceSiteFinder, MaxEntScan, NNSPLICE, GeneSplicer) do not predict a difference in splicing. The p.Asp298 residue is conserved in mammals and computational analyses (PolyPhen-2, SIFT, AlignGVGD, BLOSUM, MutationTaster) provide inconsistent predictions regarding the impact to the protein; this information is not very predictive of pathogenicity. In summary, based on the above information the clinical significance of this variant cannot be determined with certainty at this time. This variant is classified as a variant of uncertain significance.